The following is an entry in ClinVar:

NM_000760.4(CSF3R):c.2309G>A (p.Cys770Tyr)

Gene: CSF3R (colony stimulating factor 3 receptor; minus strand). Cytogenetic location: 1p34.3.
Variant type: single nucleotide variant.
Coding change: c.2309G>A on transcript NM_000760.4 (MANE Select); coding-DNA position 2309, G replaced by A.
Protein change: p.Cys770Tyr; replaces cysteine 770 with tyrosine.
Molecular consequence: missense variant. On other transcripts: intron variant (1).
Genome position (GRCh38, 1-based): chr1:36,466,559, C>T on the plus strand (G>A on the coding strand, the complement: CSF3R is on the minus strand). VCF-style: chr1-36466559-C-T. GRCh37 (hg19) VCF-style: chr1-36932160-C-T.
Other names: p.Cys770Tyr; c.2390G>A, p.Cys797Tyr (NM_156039.3); c.2247+62G>A (NM_172313.3); short protein forms C770Y, C797Y.
Identifiers: ClinVar variation 2683709 (VCV002683709.3), dbSNP rs1238212758, ClinGen allele CA339413311.

ClinVar aggregate classification (germline): Uncertain significance. Review status: criteria provided, multiple submitters, no conflicts (2 of 4 stars). 2 submissions from 2 submitters: Uncertain significance (2). Last evaluated 2025-11-04.

Conditions:
Autosomal recessive severe congenital neutropenia due to CSF3R deficiency. Also called: Neutropenia, severe congenital, 7, autosomal recessive. Identifiers: Orphanet 420702, MedGen C4310764, MONDO:0014865, OMIM 617014.

Allele frequency attached by ClinVar (database versions not stated): gnomAD exomes below 0.00001.
gnomAD v4.1: 1 of 1,610,120 alleles (0.000062%); highest among the groups gnomAD compares: Admixed American, 0.0017%; no homozygotes.

Submissions (2):

Labcorp Genetics (formerly Invitae), Labcorp
Classification: Uncertain significance for Autosomal recessive severe congenital neutropenia due to CSF3R deficiency. Last evaluated: 2025-11-04. Review status: criteria provided, single submitter. Criteria: Invitae Variant Classification Sherloc (09022015). Collection method: clinical testing. Allele origin: germline.
Comment: This sequence change replaces cysteine, which is neutral and slightly polar, with tyrosine, which is neutral and polar, at codon 770 of the CSF3R protein (p.Cys770Tyr). This variant is not present in population databases (gnomAD no frequency). This variant has not been reported in the literature in individuals affected with CSF3R-related conditions. ClinVar contains an entry for this variant (Variation ID: 2683709). An algorithm developed to predict the effect of missense changes on protein structure and function (PolyPhen-2) suggests that this variant is likely to be tolerated. In summary, the available evidence is currently insufficient to determine the role of this variant in disease. Therefore, it has been classified as a Variant of Uncertain Significance.

Mayo Clinic Laboratories, Mayo Clinic
Classification: Uncertain significance. Last evaluated: 2023-06-13. Review status: criteria provided, single submitter. Criteria: ACMG Guidelines, 2015. Collection method: clinical testing. Allele origin: germline. Observed: 2 variant alleles.
Comment: BP4

Literature cited by the submitters: PubMed 32655615 (cited by Mayo Clinic Laboratories, Mayo Clinic).